The following is an entry in ClinVar:

NM_001080466.2(BTBD17):c.1140T>G (p.Ala380=)

Gene: BTBD17 (BTB domain containing 17; minus strand). Cytogenetic location: 17q25.1.
Variant type: single nucleotide variant.
Coding change: c.1140T>G on transcript NM_001080466.2 (MANE Select); coding-DNA position 1140, T replaced by G.
Protein change: p.Ala380=; no amino-acid change (alanine 380 retained).
Molecular consequence: synonymous variant.
Genome position (GRCh38, 1-based): chr17:74,356,954, A>C on the plus strand (T>G on the coding strand, the complement: BTBD17 is on the minus strand). VCF-style: chr17-74356954-A-C. GRCh37 (hg19) VCF-style: chr17-72353093-A-C.
Identifiers: ClinVar variation 2648204 (VCV002648204.24), dbSNP rs2144318845, ClinGen allele CA502029941.

ClinVar aggregate classification (germline): Likely benign (1 of 4 stars; one submission).

Submission:

CeGaT Center for Human Genetics Tuebingen
Classification: Likely benign. Last evaluated: 2026-08-01. Review status: criteria provided, single submitter. Criteria: CeGaT Center For Human Genetics Tuebingen Variant Classification Criteria Version 2. Collection method: clinical testing. Allele origin: germline. Affected: yes. Observed: 6 variant alleles.
Comment: BTBD17: BP4, BP7